The following is an entry in ClinVar:

ClinVar aggregate classification (germline): Conflicting classifications of pathogenicity. Review status: criteria provided, conflicting classifications (1 of 4 stars). 2 submissions from 2 submitters: Uncertain significance (1); Likely benign (1). Last evaluated 2026-04-01.

Allele frequency attached by ClinVar (database versions not stated): gnomAD exomes 0.00004 and 0.00006; ExAC 0.00005; gnomAD 0.00007 and 0.00008; ESP Exome Variant Server 0.00008; TOPMed 0.00009; 1000 Genomes Project 30x 0.00016.
gnomAD v4.1: 70 of 1,613,626 alleles (0.0043%); highest among the groups gnomAD compares: African/African-American, 0.011%; no homozygotes.

Submissions (2):

CeGaT Center for Human Genetics Tuebingen
Classification: Likely benign. Last evaluated: 2026-04-01. Review status: criteria provided, single submitter. Criteria: CeGaT Center For Human Genetics Tuebingen Variant Classification Criteria Version 2. Collection method: clinical testing. Allele origin: germline. Affected: yes. Observed: 2 variant alleles.
Comment: ERBB4: BP4

Labcorp Genetics (formerly Invitae), Labcorp
Classification: Uncertain significance. Last evaluated: 2025-05-11. Review status: criteria provided, single submitter. Criteria: Invitae Variant Classification Sherloc (09022015). Collection method: clinical testing. Allele origin: germline.
Comment: This sequence change replaces arginine, which is basic and polar, with histidine, which is basic and polar, at codon 524 of the ERBB4 protein (p.Arg524His). This variant is present in population databases (rs371593463, gnomAD 0.02%). This variant has not been reported in the literature in individuals affected with ERBB4-related conditions. ClinVar contains an entry for this variant (Variation ID: 1419117). Invitae Evidence Modeling of protein sequence and biophysical properties (such as structural, functional, and spatial information, amino acid conservation, physicochemical variation, residue mobility, and thermodynamic stability) indicates that this missense variant is not expected to disrupt ERBB4 protein function with a negative predictive value of 80%. In summary, the available evidence is currently insufficient to determine the role of this variant in disease. Therefore, it has been classified as a Variant of Uncertain Significance.

NM_005235.3(ERBB4):c.1571G>A (p.Arg524His)

Gene: ERBB4 (erb-b2 receptor tyrosine kinase 4; minus strand). Cytogenetic location: 2q34.
Variant type: single nucleotide variant.
Coding change: c.1571G>A on transcript NM_005235.3 (MANE Select); coding-DNA position 1571, G replaced by A.
Protein change: p.Arg524His; replaces arginine 524 with histidine.
Molecular consequence: missense variant.
Genome position (GRCh38, 1-based): chr2:211,679,103, C>T on the plus strand (G>A on the coding strand, the complement: ERBB4 is on the minus strand). VCF-style: chr2-211679103-C-T. GRCh37 (hg19) VCF-style: chr2-212543828-C-T.
Other names: c.1571G>A, p.Arg524His (NM_001042599.2); short protein forms R524H.
Identifiers: ClinVar variation 1419117 (VCV001419117.31), dbSNP rs371593463, ClinGen allele CA2088102.